The following is an entry in ClinVar:

ClinVar aggregate classification (germline): Pathogenic (1 of 4 stars; one submission).

Conditions:
Familial adenomatous polyposis 1 (FAP1). Also called: FAMILIAL ADENOMATOUS POLYPOSIS 1, ATTENUATED; POLYPOSIS, ADENOMATOUS INTESTINAL. Identifiers: MedGen C2713442, MONDO:0021056, OMIM 175100. Disease mechanism: loss of function.

Submission:

Myriad Genetics, Inc.
Classification: Pathogenic for Familial adenomatous polyposis 1. Last evaluated: 2023-05-10. Review status: criteria provided, single submitter. Criteria: Myriad Autosomal Dominant, Autosomal Recessive and X-Linked Classification Criteria (2023). Collection method: clinical testing. Allele origin: unknown.
Comment: This variant is considered pathogenic. This variant creates a frameshift predicted to result in premature protein truncation.

NM_000038.6(APC):c.4274_4277dup (p.Ser1426delinsArgTer)

Gene: APC (APC regulator of Wnt signaling pathway; plus strand). Cytogenetic location: 5q22.2.
Variant type: Duplication.
Coding change: c.4274_4277dup on transcript NM_000038.6 (MANE Select); coding-DNA positions 4274 to 4277, 4 bases duplicated (ATAG; older notation c.4274_4277dupATAG).
Protein change: p.Ser1426delinsArgTer.
Molecular consequence: nonsense. On other transcripts: non-coding transcript variant (2).
Genome position (GRCh38, 1-based): chr5:112,839,868-112,839,871, ATAG duplicated; duplicating any 4 consecutive bases within chr5:112,839,866-112,839,871 gives the same sequence; the c. name uses the placement nearest the transcript's 3' end. VCF-style (leftmost placement, unchanged base first): chr5-112839865-C-CAGAT. GRCh37 (hg19) VCF-style: chr5-112175562-C-CAGAT.
Other names: c.4274_4277dup, p.Ser1426delinsArgTer (NM_001127510.3, NM_001354895.2, NM_001407450.1); c.4220_4223dup, p.Ser1408delinsArgTer (NM_001127511.3); c.4328_4331dup, p.Ser1444delinsArgTer (NM_001354896.2, NM_001407447.1, NM_001407448.1 and 1 more transcripts); c.4304_4307dup, p.Ser1436delinsArgTer (NM_001354897.2); c.4199_4202dup, p.Ser1401delinsArgTer (NM_001354898.2); c.4190_4193dup, p.Ser1398delinsArgTer (NM_001354899.2); c.4151_4154dup, p.Ser1385delinsArgTer (NM_001354900.2); c.4097_4100dup, p.Ser1367delinsArgTer (NM_001354901.2, NM_001407453.1); and 11 more.
Identifiers: ClinVar variation 2584116 (VCV002584116.1), dbSNP rs2533561730, ClinGen allele CA2582341261.
Genomic context (GRCh38, chr5:112,839,865, plus strand): 5'-CCGTTCAGAGTGAACCATGCAGTGGAATGGTAAGTGGCATTATAAGCCCCAGTGATCTTC[C>CAGAT]AGATAGCCCTGGACAAACCATGCCACCAAGCAGAAGTAAAACACCTCCACCACCTCCTCA-3'